The following is an entry in ClinVar:

ClinVar aggregate classification (germline): Likely benign. Review status: criteria provided, single submitter (1 of 4 stars). 2 submissions from 2 submitters: Likely benign (1). 1 of the submissions does not count toward it. Last evaluated 2025-01-08.

Conditions:
ACTG1-related disorder. Also called: ACTG1-related disorders; ACTG1-related condition.
Autosomal dominant nonsyndromic hearing loss 20. Identifiers: Orphanet 90635, MedGen C1858172, MONDO:0011480, OMIM 604717.
Baraitser-winter syndrome 2. Identifiers: Orphanet 2995, MedGen C3281235, MONDO:0013812, OMIM 614583.

Allele frequency attached by ClinVar (database versions not stated): ExAC 0.00003; gnomAD 0.00003 and 0.00004; gnomAD exomes 0.00004; TOPMed 0.00006.
gnomAD v4.1: 39 of 1,613,956 alleles (0.0024%); highest among the groups gnomAD compares: African/African-American, 0.011%; no homozygotes.

Submissions (2):

Labcorp Genetics (formerly Invitae), Labcorp
Classification: Likely benign for Baraitser-winter syndrome 2; Autosomal dominant nonsyndromic hearing loss 20. Last evaluated: 2025-01-08. Review status: criteria provided, single submitter. Criteria: Invitae Variant Classification Sherloc (09022015). Collection method: clinical testing. Allele origin: germline.

PreventionGenetics, part of Exact Sciences
Classification: Likely benign for ACTG1-related condition. Last evaluated: 2019-12-24. Review status: no assertion criteria provided. Collection method: clinical testing. Allele origin: germline. Not counted in ClinVar's aggregate classification.
Comment: This variant is classified as likely benign based on ACMG/AMP sequence variant interpretation guidelines (Richards et al. 2015 PMID: 25741868, with internal and published modifications).

NM_001614.5(ACTG1):c.363+9C>T

Gene: ACTG1 (actin gamma 1; minus strand). Cytogenetic location: 17q25.3.
Variant type: single nucleotide variant.
Coding change: c.363+9C>T on transcript NM_001614.5 (MANE Select); 9 bases into the intron after coding-DNA position 363, C replaced by T.
Molecular consequence: intron variant.
Genome position (GRCh38, 1-based): chr17:81,511,894, G>A on the plus strand (C>T on the coding strand, the complement: ACTG1 is on the minus strand). VCF-style: chr17-81511894-G-A. GRCh37 (hg19) VCF-style: chr17-79478920-G-A.
Other names: c.363+9C>T (NM_001199954.3).
Identifiers: ClinVar variation 784846 (VCV000784846.10), dbSNP rs200000684, ClinGen allele CA8836264.